The following is an entry in ClinVar:

ClinVar aggregate classification (germline): Uncertain significance (1 of 4 stars; one submission).

Allele frequency attached by ClinVar (database versions not stated): gnomAD exomes below 0.00001.
gnomAD v4.1: 1 of 1,613,822 alleles (0.000062%); highest among the groups gnomAD compares: Admixed American, 0.0017%; no homozygotes.

Submission:

Laboratorio de Genetica e Diagnostico Molecular, Hospital Israelita Albert Einstein
Classification: Uncertain significance. Last evaluated: 2021-04-01. Review status: criteria provided, single submitter. Criteria: ACMG Guidelines, 2015. Collection method: clinical testing. Allele origin: germline. Affected: yes.
Comment: ACMG classification criteria: PM2, PP2, PP3

NM_001040142.2(SCN2A):c.2281G>T (p.Val761Phe)

Gene: SCN2A (sodium voltage-gated channel alpha subunit 2; plus strand). Cytogenetic location: 2q24.3.
Variant type: single nucleotide variant.
Coding change: c.2281G>T on transcript NM_001040142.2 (MANE Select); coding-DNA position 2281, G replaced by T.
Protein change: p.Val761Phe; replaces valine 761 with phenylalanine.
Molecular consequence: missense variant.
Genome position (GRCh38, 1-based): chr2:165,331,461, G>T. VCF-style: chr2-165331461-G-T. GRCh37 (hg19) VCF-style: chr2-166187971-G-T.
Other names: c.2281G>T, p.Val761Phe (NM_001040143.2, NM_001371246.1, NM_001371247.1 and 1 more transcripts); short protein forms V761F.
Identifiers: ClinVar variation 1690623 (VCV001690623.2), dbSNP rs2105293473, ClinGen allele CA349031129.